The following is an entry in ClinVar:

NM_003793.4(CTSF):c.1285A>G (p.Ile429Val)

Gene: CTSF (cathepsin F; minus strand). Cytogenetic location: 11q13.2.
Variant type: single nucleotide variant.
Coding change: c.1285A>G on transcript NM_003793.4 (MANE Select); coding-DNA position 1285, A replaced by G.
Protein change: p.Ile429Val; replaces isoleucine 429 with valine.
Molecular consequence: missense variant.
Genome position (GRCh38, 1-based): chr11:66,564,594, T>C on the plus strand (A>G on the coding strand, the complement: CTSF is on the minus strand). VCF-style: chr11-66564594-T-C. GRCh37 (hg19) VCF-style: chr11-66332065-T-C.
Other names: short protein forms I429V.
Identifiers: ClinVar variation 1718673 (VCV001718673.6), dbSNP rs2495272227, ClinGen allele CA381456497.

ClinVar aggregate classification (germline): Uncertain significance (1 of 4 stars; one submission).

Conditions:
Neuronal ceroid lipofuscinosis 13 (CLN13). Also called: CLN13 Disease; CEROID LIPOFUSCINOSIS, NEURONAL, 13 (KUFS TYPE). Identifiers: Orphanet 352709, Orphanet 79262, MedGen C3715049, MONDO:0014147, OMIM 615362.

Submission:

Labcorp Genetics (formerly Invitae), Labcorp
Classification: Uncertain significance for Neuronal ceroid lipofuscinosis 13. Last evaluated: 2022-07-19. Review status: criteria provided, single submitter. Criteria: Invitae Variant Classification Sherloc (09022015). Collection method: clinical testing. Allele origin: germline.
Comment: This variant has not been reported in the literature in individuals affected with CTSF-related conditions. In summary, the available evidence is currently insufficient to determine the role of this variant in disease. Therefore, it has been classified as a Variant of Uncertain Significance. Algorithms developed to predict the effect of missense changes on protein structure and function are either unavailable or do not agree on the potential impact of this missense change (SIFT: "Tolerated"; PolyPhen-2: "Probably Damaging"; Align-GVGD: "Class C0"). This variant is not present in population databases (gnomAD no frequency). This sequence change replaces isoleucine, which is neutral and non-polar, with valine, which is neutral and non-polar, at codon 429 of the CTSF protein (p.Ile429Val).